The following is an entry in ClinVar:

ClinVar aggregate classification (germline): Uncertain significance (1 of 4 stars; one submission).

Conditions:
RYR1-related disorder. Also called: RYR1-related disorders; RYR1-related condition. Identifiers: MedGen CN239331.

Submission:

Labcorp Genetics (formerly Invitae), Labcorp
Classification: Uncertain significance for RYR1-related disorder. Last evaluated: 2019-09-27. Review status: criteria provided, single submitter. Criteria: Invitae Variant Classification Sherloc (09022015). Collection method: clinical testing. Allele origin: germline.
Comment: Algorithms developed to predict the effect of sequence changes on RNA splicing suggest that this variant may create or strengthen a splice site, but this prediction has not been confirmed by published transcriptional studies. Algorithms developed to predict the effect of missense changes on protein structure and function are either unavailable or do not agree on the potential impact of this missense change (SIFT: "Deleterious"; PolyPhen-2: "Benign"; Align-GVGD: "Class C0"). This variant has not been reported in the literature in individuals with RYR1-related conditions. This variant is not present in population databases (ExAC no frequency). This sequence change replaces threonine with serine at codon 3221 of the RYR1 protein (p.Thr3221Ser). The threonine residue is highly conserved and there is a small physicochemical difference between threonine and serine. In summary, the available evidence is currently insufficient to determine the role of this variant in disease. Therefore, it has been classified as a Variant of Uncertain Significance.

NM_000540.3(RYR1):c.9662C>G (p.Thr3221Ser)

Gene: RYR1 (ryanodine receptor 1; plus strand). Cytogenetic location: 19q13.2.
Variant type: single nucleotide variant.
Coding change: c.9662C>G on transcript NM_000540.3 (MANE Select); coding-DNA position 9662, C replaced by G.
Protein change: p.Thr3221Ser; replaces threonine 3221 with serine.
Molecular consequence: missense variant.
Genome position (GRCh38, 1-based): chr19:38,516,194, C>G. VCF-style: chr19-38516194-C-G. GRCh37 (hg19) VCF-style: chr19-39006834-C-G.
Other names: c.9662C>G, p.Thr3221Ser (NM_001042723.2); short protein forms T3221S.
Identifiers: ClinVar variation 966247 (VCV000966247.9), dbSNP rs1173243402, ClinGen allele CA405690815.